The following is an entry in ClinVar:

ClinVar aggregate classification (germline): Uncertain significance (1 of 4 stars; one submission).

Submission:

Labcorp Genetics (formerly Invitae), Labcorp
Classification: Uncertain significance. Last evaluated: 2024-03-12. Review status: criteria provided, single submitter. Criteria: Invitae Variant Classification Sherloc (09022015). Collection method: clinical testing. Allele origin: germline.
Comment: This sequence change replaces leucine, which is neutral and non-polar, with valine, which is neutral and non-polar, at codon 165 of the GABRB1 protein (p.Leu165Val). This variant is not present in population databases (gnomAD no frequency). This variant has not been reported in the literature in individuals affected with GABRB1-related conditions. Advanced modeling of protein sequence and biophysical properties (such as structural, functional, and spatial information, amino acid conservation, physicochemical variation, residue mobility, and thermodynamic stability) has been performed at Invitae for this missense variant, however the output from this modeling did not meet the statistical confidence thresholds required to predict the impact of this variant on GABRB1 protein function. In summary, the available evidence is currently insufficient to determine the role of this variant in disease. Therefore, it has been classified as a Variant of Uncertain Significance.

NM_000812.4(GABRB1):c.493C>G (p.Leu165Val)

Gene: GABRB1 (gamma-aminobutyric acid type A receptor subunit beta1; plus strand). Cytogenetic location: 4p12.
Variant type: single nucleotide variant.
Coding change: c.493C>G on transcript NM_000812.4 (MANE Select); coding-DNA position 493, C replaced by G.
Protein change: p.Leu165Val; replaces leucine 165 with valine.
Molecular consequence: missense variant.
Genome position (GRCh38, 1-based): chr4:47,320,158, C>G. VCF-style: chr4-47320158-C-G. GRCh37 (hg19) VCF-style: chr4-47322175-C-G.
Other names: short protein forms L165V.
Identifiers: ClinVar variation 2782074 (VCV002782074.3), dbSNP rs2475264379, ClinGen allele CA356806843.